The following is an entry in ClinVar:

NM_001349253.2(SCN11A):c.1683C>A (p.Pro561=)

Gene: SCN11A (sodium voltage-gated channel alpha subunit 11; minus strand). Cytogenetic location: 3p22.2.
Variant type: single nucleotide variant.
Coding change: c.1683C>A on transcript NM_001349253.2 (MANE Select); coding-DNA position 1683, C replaced by A.
Protein change: p.Pro561=; no amino-acid change (proline 561 retained).
Molecular consequence: synonymous variant.
Genome position (GRCh38, 1-based): chr3:38,904,024, G>T on the plus strand (C>A on the coding strand, the complement: SCN11A is on the minus strand). VCF-style: chr3-38904024-G-T. GRCh37 (hg19) VCF-style: chr3-38945515-G-T.
Other names: c.1683C>A, p.Pro561= (NM_014139.3).
Identifiers: ClinVar variation 541598 (VCV000541598.12), dbSNP rs999052924, ClinGen allele CA72961709.

ClinVar aggregate classification (germline): Likely benign. Review status: criteria provided, multiple submitters, no conflicts (2 of 4 stars). 5 submissions from 5 submitters: Likely benign (5). Last evaluated 2026-09-01.

Conditions:
SCN11A-related disorder. Also called: SCN11A-related condition.
Inborn genetic diseases. Identifiers: MedGen C0950123, MeSH D030342.
Hereditary sensory and autonomic neuropathy type 7. Also called: Neuropathy, hereditary sensory and autonomic, type VII; HSAN VII. Identifiers: Orphanet 391397, MedGen C3809882, MONDO:0014244, OMIM 615548.
Familial episodic pain syndrome with predominantly lower limb involvement. Also called: Episodic pain syndrome, familial, 3. Identifiers: Orphanet 391384, Orphanet 391392, MedGen C3809899, MONDO:0014247, OMIM 615552.

Allele frequency attached by ClinVar (database versions not stated): TOPMed below 0.00001; gnomAD 0.00003.
gnomAD v4.1: 25 of 1,611,684 alleles (0.0016%); highest among the groups gnomAD compares: Middle Eastern, 0.066%; 1 homozygote.

Submissions (5):

PreventionGenetics, part of Exact Sciences
Classification: Likely benign for SCN11A-related condition. Last evaluated: 2026-09-01. Review status: criteria provided, single submitter. Criteria: ACMG Guidelines, 2015. Collection method: clinical testing. Allele origin: germline.
Comment: This variant is classified as likely benign based on ACMG/AMP sequence variant interpretation guidelines (Richards et al. 2015 PMID: 25741868, with internal and published modifications).

Labcorp Genetics (formerly Invitae), Labcorp
Classification: Likely benign for Familial episodic pain syndrome with predominantly lower limb involvement; Hereditary sensory and autonomic neuropathy type 7. Last evaluated: 2023-12-15. Review status: criteria provided, single submitter. Criteria: Invitae Variant Classification Sherloc (09022015). Collection method: clinical testing. Allele origin: germline.

Blueprint Genetics
Classification: Likely benign. Last evaluated: 2023-02-06. Review status: criteria provided, single submitter. Criteria: ACMG Guidelines, 2015. Collection method: clinical testing. Allele origin: germline.

Ambry Genetics
Classification: Likely benign for Inborn genetic diseases. Last evaluated: 2019-07-11. Review status: criteria provided, single submitter. Criteria: Ambry Variant Classification Scheme 2023. Collection method: clinical testing. Allele origin: germline.

Breakthrough Genomics
Classification: Likely benign. Review status: criteria provided, single submitter. Criteria: ACMG Guidelines, 2015. Collection method: not provided. Allele origin: germline. Inheritance: Autosomal dominant inheritance. Affected: yes.